The following is an entry in ClinVar:

ClinVar aggregate classification (germline): Uncertain significance (1 of 4 stars; one submission).

Submission:

Labcorp Genetics (formerly Invitae), Labcorp
Classification: Uncertain significance. Last evaluated: 2025-10-28. Review status: criteria provided, single submitter. Criteria: Invitae Variant Classification Sherloc (09022015). Collection method: clinical testing. Allele origin: germline.
Comment: This sequence change falls in intron 4 of the DSCAML1 gene. It does not directly change the encoded amino acid sequence of the DSCAML1 protein. It affects a nucleotide within the consensus splice site. This variant is not present in population databases (gnomAD no frequency). This variant has not been reported in the literature in individuals affected with DSCAML1-related conditions. Variants that disrupt the consensus splice site are a relatively common cause of aberrant splicing (PMID: 17576681, 9536098). Algorithms developed to predict the effect of sequence changes on RNA splicing suggest that this variant is not likely to affect RNA splicing. In summary, the available evidence is currently insufficient to determine the role of this variant in disease. Therefore, it has been classified as a Variant of Uncertain Significance.

Literature cited by the submitters: PubMed 17576681; PubMed 9536098.

NM_020693.4(DSCAML1):c.658+6G>A

Gene: DSCAML1 (DS cell adhesion molecule like 1; minus strand). Cytogenetic location: 11q23.3.
Variant type: single nucleotide variant.
Coding change: c.658+6G>A on transcript NM_020693.4 (MANE Select); 6 bases into the intron after coding-DNA position 658, G replaced by A.
Molecular consequence: intron variant.
Genome position (GRCh38, 1-based): chr11:117,532,370, C>T on the plus strand (G>A on the coding strand, the complement: DSCAML1 is on the minus strand). VCF-style: chr11-117532370-C-T. GRCh37 (hg19) VCF-style: chr11-117403085-C-T.
Other names: c.658+6G>A (NM_001367904.1); c.250+6G>A (NM_001367905.1).
Identifiers: ClinVar variation 4701291 (VCV004701291.1).